The following is an entry in ClinVar:

NM_017617.5(NOTCH1):c.2597G>C (p.Cys866Ser)

Gene: NOTCH1 (notch receptor 1; minus strand). Cytogenetic location: 9q34.3.
Variant type: single nucleotide variant.
Coding change: c.2597G>C on transcript NM_017617.5 (MANE Select); coding-DNA position 2597, G replaced by C.
Protein change: p.Cys866Ser; replaces cysteine 866 with serine.
Molecular consequence: missense variant.
Genome position (GRCh38, 1-based): chr9:136,510,796, C>G on the plus strand (G>C on the coding strand, the complement: NOTCH1 is on the minus strand). VCF-style: chr9-136510796-C-G. GRCh37 (hg19) VCF-style: chr9-139405248-C-G.
Other names: short protein forms C866S.
Identifiers: ClinVar variation 1395862 (VCV001395862.8), dbSNP rs763469662, ClinGen allele CA201583602.

ClinVar aggregate classification (germline): Uncertain significance (1 of 4 stars; one submission).

Conditions:
Adams-Oliver syndrome 5 (AOS5). Identifiers: Orphanet 974, MedGen C4014970, MONDO:0014459, OMIM 616028.

Allele frequency attached by ClinVar (database versions not stated): gnomAD 0.00001; gnomAD exomes 0.00001; TOPMed 0.00002.
gnomAD v4.1: 5 of 1,609,422 alleles (0.00031%); highest among the groups gnomAD compares: Non-Finnish European, 0.000085%; no homozygotes.

Submission:

Labcorp Genetics (formerly Invitae), Labcorp
Classification: Uncertain significance for Adams-Oliver syndrome 5. Last evaluated: 2023-12-07. Review status: criteria provided, single submitter. Criteria: Invitae Variant Classification Sherloc (09022015). Collection method: clinical testing. Allele origin: germline.
Comment: This sequence change replaces cysteine, which is neutral and slightly polar, with serine, which is neutral and polar, at codon 866 of the NOTCH1 protein (p.Cys866Ser). This variant is not present in population databases (gnomAD no frequency). This variant has not been reported in the literature in individuals affected with NOTCH1-related conditions. ClinVar contains an entry for this variant (Variation ID: 1395862). Advanced modeling of protein sequence and biophysical properties (such as structural, functional, and spatial information, amino acid conservation, physicochemical variation, residue mobility, and thermodynamic stability) performed at Invitae indicates that this missense variant is expected to disrupt NOTCH1 protein function with a positive predictive value of 95%. In summary, the available evidence is currently insufficient to determine the role of this variant in disease. Therefore, it has been classified as a Variant of Uncertain Significance.